The following is an entry in ClinVar:

ClinVar aggregate classification (germline): Conflicting classifications of pathogenicity. Review status: criteria provided, conflicting classifications (1 of 4 stars). 4 submissions from 4 submitters: Pathogenic (1); Uncertain significance (1). 2 of the submissions do not count toward it. Last evaluated 2025-01-21.

Conditions:
PLA2G6-associated neurodegeneration (PLAN). Also called: phospholipase A2-associated neurodegeneration. Identifiers: Orphanet 329303, MedGen CN204472, MONDO:0017998.
Infantile neuroaxonal dystrophy (NBIA2A). Also called: Infantile neuroaxonal dystrophy 1; NEURODEGENERATION WITH BRAIN IRON ACCUMULATION 2A; SEITELBERGER DISEASE. Identifiers: Orphanet 35069, MedGen C0270724, MONDO:0024457, OMIM 256600.

Allele frequency attached by ClinVar (database versions not stated): gnomAD exomes 0.00001; ExAC 0.00004.
gnomAD v4.1: 11 of 1,567,540 alleles (0.0007%); highest among the groups gnomAD compares: South Asian, 0.013%; no homozygotes.

Submissions (4):

Women's Health and Genetics/Laboratory Corporation of America, LabCorp
Classification: Pathogenic for Infantile neuroaxonal dystrophy. Last evaluated: 2025-01-21. Review status: criteria provided, single submitter. Criteria: LabCorp Variant Classification Summary - May 2015. Collection method: clinical testing. Allele origin: germline.
Comment: Variant summary: PLA2G6 c.929T>A (p.Val310Glu) results in a non-conservative amino acid change located in the Ankyrin repeat-containing domain of the encoded protein sequence. Five of five in-silico tools predict a damaging effect of the variant on protein function. The variant allele was found at a frequency of 1.1e-05 in 180106 control chromosomes. c.929T>A has been reported in the literature in multiple bi-allelic individuals affected with Infantile Neuroaxonal Dystrophy (examples: Morgan_2006, Gregory_2008, Wu_2009, Khan_2022). These data indicate that the variant is very likely to be associated with disease. The following publications have been ascertained in the context of this evaluation (PMID: 16783378, 19138334, 18799783), 36002593). ClinVar contains an entry for this variant (Variation ID: 6197). Based on the evidence outlined above, the variant was classified as pathogenic.

Broad Center for Mendelian Genomics, Broad Institute of MIT and Harvard
Classification: Uncertain significance for PLA2G6-associated neurodegeneration. Last evaluated: 2023-01-24. Review status: criteria provided, single submitter. Criteria: ACMG Guidelines, 2015. Collection method: curation. Allele origin: germline. Inheritance: Autosomal recessive inheritance.
Comment: The p.Val310Glu variant in PLA2G6 has been reported in 2 individuals with PLA2G6-associated neurodegeneration (PMID: 16783378, 19138334) and has been identified in 0.008% (2/24036) of South Asian chromosomes by the Genome Aggregation Database (gnomAD; dbSNP ID: rs121908682). Although this variant has been seen in the general population in a heterozygous state, its frequency is low enough to be consistent with a recessive carrier frequency. This variant has also been reported in ClinVar (Variation ID#: 6197) and has been interpreted as pathogenic by OMIM. Of the 2 affected individuals, 1 of those was a homozygote, which increases the likelihood that the p.Val310Glu variant is pathogenic (PMID: 16783378). Computational prediction tools and conservation analyses suggest that this variant may impact the protein, though this information is not predictive enough to determine pathogenicity. In summary, the clinical significance of the p.Val310Glu variant is uncertain. ACMG/AMP Criteria applied: PP3, PM2_supporting, PM3_supporting (Richards 2015).

OMIM
Classification: Pathogenic for NEURODEGENERATION WITH BRAIN IRON ACCUMULATION 2A. Last evaluated: 2006-07-01. Review status: no assertion criteria provided. Collection method: literature only. Allele origin: germline. Not counted in ClinVar's aggregate classification.

Dr. Muhammad Imran Shabbir Lab, International Islamic University Islamabad
Classification: Likely pathogenic for Infantile neuroaxonal dystrophy. Review status: no assertion criteria provided. Collection method: research. Allele origin: inherited, paternal. Affected: yes. Not counted in ClinVar's aggregate classification.

Literature cited by the submitters: PubMed 16783378 (cited by Women's Health and Genetics/Laboratory Corporation of America, LabCorp and OMIM); PubMed 19138334 (cited by Women's Health and Genetics/Laboratory Corporation of America, LabCorp); PubMed 36002593 (cited by Women's Health and Genetics/Laboratory Corporation of America, LabCorp); PubMed 18981035 (cited by Dr. Muhammad Imran Shabbir Lab, International Islamic University Islamabad).

NM_003560.4(PLA2G6):c.929T>A (p.Val310Glu)

Gene: PLA2G6 (phospholipase A2 group VI; minus strand). Cytogenetic location: 22q13.1.
Variant type: single nucleotide variant.
Coding change: c.929T>A on transcript NM_003560.4 (MANE Select); coding-DNA position 929, T replaced by A.
Protein change: p.Val310Glu; replaces valine 310 with glutamic acid.
Molecular consequence: missense variant.
Genome position (GRCh38, 1-based): chr22:38,132,979, A>T on the plus strand (T>A on the coding strand, the complement: PLA2G6 is on the minus strand). VCF-style: chr22-38132979-A-T. GRCh37 (hg19) VCF-style: chr22-38528986-A-T.
Other names: NM_003560.4(PLA2G6):c.929T>A; c.929T>A, p.Val310Glu (NM_001004426.3, NM_001199562.3, NM_001349864.2 and 2 more transcripts); c.395T>A, p.Val132Glu (NM_001349867.2, NM_001349869.2); c.251T>A, p.Val84Glu (NM_001349868.2); short protein forms V310E, V132E, V84E.
Identifiers: ClinVar variation 6197 (VCV000006197.5), dbSNP rs121908682, ClinGen allele CA253794.